The following is an entry in ClinVar:

NC_000011.10:g.17445123_17455212del

Gene: ABCC8 (ATP binding cassette subfamily C member 8; minus strand). Cytogenetic location: 11p15.1.
Variant type: Deletion.
Identifiers: ClinVar variation 3384195 (VCV003384195.2).

ClinVar aggregate classification (germline): Pathogenic (1 of 4 stars; one submission).

Conditions:
Permanent neonatal diabetes mellitus (PNDM). Identifiers: Orphanet 99885, MedGen C1833104, MONDO:0100164, MONDO:0011643. Disease mechanism: gain of function.

Submission:

Excellence Center for Genomics and Precision Medicine, King Chulalongkorn Memorial Hospital
Classification: Pathogenic for Permanent neonatal diabetes mellitus. Last evaluated: 2024-10-01. Review status: criteria provided, single submitter. Criteria: ACMG/ClinGen CNV Guidelines, 2019. Collection method: clinical testing. Allele origin: germline. Inheritance: Autosomal dominant inheritance. Affected: yes. Observed: 1 heterozygote.
Comment: 1A (0 points): Contains protein-coding or other known functionally important elements 2E (PVS1 0.9 points): Both breakpoints are within the same gene (intragenic CNV; gene-level sequence variant) 3A (0 points): Number of protein-coding RefSeq genes wholly or partially included in the copy number loss is 0-24 genes 5G (0.1 points): Inheritance information is unavailable or uninformative. The patient phenotype is non-specific, but is consistent with what has been described in similar cases.